The following is an entry in ClinVar:

ClinVar aggregate classification (germline): Uncertain significance (1 of 4 stars; one submission).

Conditions:
Neurofibromatosis, type 1 (NF1). Also called: NEUROFIBROMATOSIS, TYPE I, SOMATIC; VON RECKLINGHAUSEN DISEASE; Neurofibromatosis, type I; Peripheral type neurofibromatosis. Identifiers: Orphanet 636, MedGen C0027831, MONDO:0018975, OMIM 162200. Disease mechanism: loss of function.

Submission:

Labcorp Genetics (formerly Invitae), Labcorp
Classification: Uncertain significance for Neurofibromatosis, type 1. Last evaluated: 2023-06-04. Review status: criteria provided, single submitter. Criteria: Invitae Variant Classification Sherloc (09022015). Collection method: clinical testing. Allele origin: germline.
Comment: This sequence change replaces lysine, which is basic and polar, with glutamine, which is neutral and polar, at codon 2435 of the NF1 protein (p.Lys2435Gln). This variant is not present in population databases (gnomAD no frequency). This variant has not been reported in the literature in individuals affected with NF1-related conditions. ClinVar contains an entry for this variant (Variation ID: 1353803). Advanced modeling of protein sequence and biophysical properties (such as structural, functional, and spatial information, amino acid conservation, physicochemical variation, residue mobility, and thermodynamic stability) has been performed at Invitae for this missense variant, however the output from this modeling did not meet the statistical confidence thresholds required to predict the impact of this variant on NF1 protein function. In summary, the available evidence is currently insufficient to determine the role of this variant in disease. Therefore, it has been classified as a Variant of Uncertain Significance.

NM_001042492.3(NF1):c.7366A>C (p.Lys2456Gln)

Gene: NF1 (neurofibromin 1; plus strand). Cytogenetic location: 17q11.2.
Variant type: single nucleotide variant.
Coding change: c.7366A>C on transcript NM_001042492.3 (MANE Select); coding-DNA position 7366, A replaced by C.
Protein change: p.Lys2456Gln; replaces lysine 2456 with glutamine.
Molecular consequence: missense variant.
Genome position (GRCh38, 1-based): chr17:31,350,227, A>C. VCF-style: chr17-31350227-A-C. GRCh37 (hg19) VCF-style: chr17-29677245-A-C.
Other names: c.7303A>C, p.Lys2435Gln (NM_000267.4); short protein forms K2435Q, K2456Q.
Identifiers: ClinVar variation 1353803 (VCV001353803.8), dbSNP rs2151574384, ClinGen allele CA399017036.
Genomic context (GRCh38, chr17:31,350,227, plus strand): 5'-ACCGTTTTCCTTTTAGCTTTACTTACAGTGTCTGAAGAAGTTCGAAGTCGCTGCAGCCTA[A>C]AACATAGAAAGTCACTTCTTCTTACTGATATTTCAATGGAAAATGTTCCTATGGATACAT-3'
Protein context (NP_001035957.1, residues 2446-2466): SEEVRSRCSL[Lys2456Gln]HRKSLLLTDI